The following is an entry in ClinVar:

NM_003742.2:c.1296_1308del13

Gene: ABCB11 (ATP binding cassette subfamily B member 11; minus strand).
Variant type: Deletion.
Identifiers: ClinVar variation 3344144 (VCV003344144.1).

ClinVar aggregate classification (germline): Likely pathogenic (0 of 4 stars; one submission).

Conditions:
ABCB11-related disorder. Also called: ABCB11-related condition.

Submission:

PreventionGenetics, part of Exact Sciences
Classification: Likely pathogenic for ABCB11-related condition. Last evaluated: 2024-06-12. Review status: no assertion criteria provided. Collection method: clinical testing. Allele origin: germline.
Comment: The ABCB11 c.1296_1308del13 variant is predicted to result in a frameshift and premature protein termination (p.Pro433Phefs*2). To our knowledge, this variant has not been reported in the literature or in a large population database, indicating this variant is rare. Frameshift variants in ABCB11 are expected to be pathogenic. This variant is interpreted as likely pathogenic.